The following is an entry in ClinVar:

NM_207352.4(CYP4V2):c.1501C>G (p.Leu501Val)

Gene: CYP4V2 (cytochrome P450 family 4 subfamily V member 2; plus strand). Cytogenetic location: 4q35.2.
Variant type: single nucleotide variant.
Coding change: c.1501C>G on transcript NM_207352.4 (MANE Select); coding-DNA position 1501, C replaced by G.
Protein change: p.Leu501Val; replaces leucine 501 with valine.
Molecular consequence: missense variant.
Genome position (GRCh38, 1-based): chr4:186,210,564, C>G. VCF-style: chr4-186210564-C-G. GRCh37 (hg19) VCF-style: chr4-187131718-C-G.
Other names: short protein forms L501V.
Identifiers: ClinVar variation 1038016 (VCV001038016.8), dbSNP rs1736681246, ClinGen allele CA358951045.

ClinVar aggregate classification (germline): Uncertain significance (1 of 4 stars; one submission).

Allele frequency attached by ClinVar (database versions not stated): gnomAD exomes below 0.00001.
gnomAD v4.1: 3 of 1,614,144 alleles (0.00019%); highest among the groups gnomAD compares: South Asian, 0.0022%; no homozygotes.

Submission:

Labcorp Genetics (formerly Invitae), Labcorp
Classification: Uncertain significance. Last evaluated: 2022-03-08. Review status: criteria provided, single submitter. Criteria: Invitae Variant Classification Sherloc (09022015). Collection method: clinical testing. Allele origin: germline.
Comment: In summary, the available evidence is currently insufficient to determine the role of this variant in disease. Therefore, it has been classified as a Variant of Uncertain Significance. Advanced modeling of protein sequence and biophysical properties (such as structural, functional, and spatial information, amino acid conservation, physicochemical variation, residue mobility, and thermodynamic stability) performed at Invitae indicates that this missense variant is not expected to disrupt CYP4V2 protein function. ClinVar contains an entry for this variant (Variation ID: 1038016). This variant has not been reported in the literature in individuals affected with CYP4V2-related conditions. This variant is not present in population databases (gnomAD no frequency). This sequence change replaces leucine, which is neutral and non-polar, with valine, which is neutral and non-polar, at codon 501 of the CYP4V2 protein (p.Leu501Val).